The following is an entry in ClinVar:

ClinVar aggregate classification (germline): Uncertain significance (1 of 4 stars; one submission).

Allele frequency attached by ClinVar (database versions not stated): gnomAD exomes below 0.00001.
gnomAD v4.1: 4 of 1,614,052 alleles (0.00025%); highest among the groups gnomAD compares: Admixed American, 0.0017%; no homozygotes.

Submission:

Labcorp Genetics (formerly Invitae), Labcorp
Classification: Uncertain significance. Last evaluated: 2023-09-30. Review status: criteria provided, single submitter. Criteria: Invitae Variant Classification Sherloc (09022015). Collection method: clinical testing. Allele origin: germline.
Comment: This sequence change replaces arginine, which is basic and polar, with glutamine, which is neutral and polar, at codon 1112 of the SON protein (p.Arg1112Gln). This variant is present in population databases (no rsID available, gnomAD 0.0009%). This variant has not been reported in the literature in individuals affected with SON-related conditions. An algorithm developed to predict the effect of missense changes on protein structure and function (PolyPhen-2) suggests that this variant is likely to be disruptive. In summary, the available evidence is currently insufficient to determine the role of this variant in disease. Therefore, it has been classified as a Variant of Uncertain Significance.

NM_138927.4(SON):c.3335G>A (p.Arg1112Gln)

Gene: SON (SON DNA and RNA binding protein; plus strand). Cytogenetic location: 21q22.11.
Variant type: single nucleotide variant.
Coding change: c.3335G>A on transcript NM_138927.4 (MANE Select); coding-DNA position 3335, G replaced by A.
Protein change: p.Arg1112Gln; replaces arginine 1112 with glutamine.
Molecular consequence: missense variant. On other transcripts: non-coding transcript variant (1), intron variant (1).
Genome position (GRCh38, 1-based): chr21:33,552,566, G>A. VCF-style: chr21-33552566-G-A. GRCh37 (hg19) VCF-style: chr21-34924872-G-A.
Other names: c.3335G>A, p.Arg1112Gln (NM_001291411.2, NM_001412133.1, NM_032195.3 and 2 more transcripts); c.245-4590G>A (NM_001291412.3); short protein forms R1112Q.
Identifiers: ClinVar variation 3022573 (VCV003022573.3), dbSNP rs1022299315, ClinGen allele CA320152193.